The following is an entry in ClinVar:

NM_000696.4(ALDH9A1):c.110A>G (p.Asn37Ser)

Gene: ALDH9A1 (aldehyde dehydrogenase 9 family member A1; minus strand). Cytogenetic location: 1q24.1.
Variant type: single nucleotide variant.
Coding change: c.110A>G on transcript NM_000696.4 (MANE Select); coding-DNA position 110, A replaced by G.
Protein change: p.Asn37Ser; replaces asparagine 37 with serine.
Molecular consequence: missense variant. On other transcripts: 5 prime UTR variant (1).
Genome position (GRCh38, 1-based): chr1:165,698,449, T>C on the plus strand (A>G on the coding strand, the complement: ALDH9A1 is on the minus strand). VCF-style: chr1-165698449-T-C. GRCh37 (hg19) VCF-style: chr1-165667686-T-C.
Other names: c.-301A>G (NM_001365774.2); short protein forms N37S.
Identifiers: ClinVar variation 2672368 (VCV002672368.23), dbSNP rs369450208, ClinGen allele CA1221288.

ClinVar aggregate classification (germline): Uncertain significance (1 of 4 stars; one submission).

Allele frequency attached by ClinVar (database versions not stated): ExAC 0.00006; ESP Exome Variant Server 0.00008; TOPMed 0.00009; gnomAD 0.00011.
gnomAD v4.1: 106 of 1,606,280 alleles (0.0066%); highest among the groups gnomAD compares: Middle Eastern, 0.033%; no homozygotes.

Submission:

CeGaT Center for Human Genetics Tuebingen
Classification: Uncertain significance. Last evaluated: 2023-11-01. Review status: criteria provided, single submitter. Criteria: CeGaT Center For Human Genetics Tuebingen Variant Classification Criteria Version 2. Collection method: clinical testing. Allele origin: germline. Affected: yes. Observed: 1 variant allele.
Comment: ALDH9A1: PP3